The following is an entry in ClinVar:

NM_002206.3(ITGA7):c.1879C>T (p.Arg627Trp)

Gene: ITGA7 (integrin subunit alpha 7; minus strand). Cytogenetic location: 12q13.2.
Variant type: single nucleotide variant.
Coding change: c.1879C>T on transcript NM_002206.3 (MANE Select); coding-DNA position 1879, C replaced by T.
Protein change: p.Arg627Trp; replaces arginine 627 with tryptophan.
Molecular consequence: missense variant.
Genome position (GRCh38, 1-based): chr12:55,696,291, G>A on the plus strand (C>T on the coding strand, the complement: ITGA7 is on the minus strand). VCF-style: chr12-55696291-G-A. GRCh37 (hg19) VCF-style: chr12-56090075-G-A.
Other names: p.Arg627Trp; c.1891C>T, p.Arg631Trp (NM_001144996.2); c.1600C>T, p.Arg534Trp (NM_001144997.2); c.1552C>T, p.Arg518Trp (NM_001367993.1); c.535C>T, p.Arg179Trp (NM_001367994.1); c.1861C>T, p.Arg621Trp (NM_001374465.1); c.2011C>T, p.Arg671Trp (NM_001410977.1); c.1873C>T, p.Arg625Trp (NM_001414029.1); and 6 more; short protein forms R627W, R534W, R518W, R631W, R179W, R621W, R671W, R602W.
Identifiers: ClinVar variation 470570 (VCV000470570.12), dbSNP rs760006172, ClinGen allele CA6615811.
Genomic context (GRCh38, chr12:55,696,291, plus strand): 5'-ATCTTTGCCCTCCCAGCTCCTCCCCCTGGGCTAAACCAGAACCCATGCTCACCTCTGCCC[G>A]CTGGGTGCTGGGCTGGTGGGCATTGAGGATGGGGGCCACTGGAGGCAGCCCCTGGCCAGG-3'
Protein context (NP_002197.2, residues 617-637): ILNAHQPSTQ[Arg627Trp]AEIHFLKQGC

ClinVar aggregate classification (germline): Uncertain significance. Review status: criteria provided, multiple submitters, no conflicts (2 of 4 stars). 4 submissions from 4 submitters: Uncertain significance (4). Last evaluated 2025-08-19.

Conditions:
Congenital muscular dystrophy due to integrin alpha-7 deficiency. Also called: Congenital muscular dystrophy with integrin alpha-7 deficiency; Muscular dystrophy, congenital, due to ITGA7 deficiency; MYOPATHY, CONGENITAL, DUE TO INTEGRIN ALPHA-7 DEFICIENCY. Identifiers: Orphanet 34520, MedGen C2750786, MONDO:0013177, OMIM 613204.

Allele frequency attached by ClinVar (database versions not stated): gnomAD 0.00002 and 0.00003; gnomAD exomes 0.00004; TOPMed 0.00005; ExAC 0.00014.
gnomAD v4.1: 58 of 1,572,416 alleles (0.0037%); highest among the groups gnomAD compares: Middle Eastern, 0.017%; no homozygotes.

Submissions (4):

Ambry Genetics
Classification: Uncertain significance. Last evaluated: 2025-08-19. Review status: criteria provided, single submitter. Criteria: Ambry Variant Classification Scheme 2023. Collection method: clinical testing. Allele origin: germline.

Mayo Clinic Laboratories, Mayo Clinic
Classification: Uncertain significance. Last evaluated: 2023-10-04. Review status: criteria provided, single submitter. Criteria: ACMG Guidelines, 2015. Collection method: clinical testing. Allele origin: germline. Observed: 1 variant allele.
Comment: BP4, PM2_moderate

Fulgent Genetics
Classification: Uncertain significance for Congenital muscular dystrophy due to integrin alpha-7 deficiency. Last evaluated: 2022-04-28. Review status: criteria provided, single submitter. Criteria: ACMG Guidelines, 2015. Collection method: clinical testing. Allele origin: unknown.

Labcorp Genetics (formerly Invitae), Labcorp
Classification: Uncertain significance for Congenital muscular dystrophy due to integrin alpha-7 deficiency. Last evaluated: 2022-03-08. Review status: criteria provided, single submitter. Criteria: Invitae Variant Classification Sherloc (09022015). Collection method: clinical testing. Allele origin: germline.
Comment: This sequence change replaces arginine, which is basic and polar, with tryptophan, which is neutral and slightly polar, at codon 627 of the ITGA7 protein (p.Arg627Trp). The frequency data for this variant in the population databases is considered unreliable, as metrics indicate poor data quality at this position in the gnomAD database. This variant has not been reported in the literature in individuals affected with ITGA7-related conditions. ClinVar contains an entry for this variant (Variation ID: 470570). Algorithms developed to predict the effect of missense changes on protein structure and function are either unavailable or do not agree on the potential impact of this missense change (SIFT: "Tolerated"; PolyPhen-2: "Probably Damaging"; Align-GVGD: "Class C0"). In summary, the available evidence is currently insufficient to determine the role of this variant in disease. Therefore, it has been classified as a Variant of Uncertain Significance.